The following is an entry in ClinVar:

NM_025137.4(SPG11):c.232T>G (p.Cys78Gly)

Gene: SPG11 (SPG11 vesicle trafficking associated, spatacsin; minus strand). Cytogenetic location: 15q21.1.
Variant type: single nucleotide variant.
Coding change: c.232T>G on transcript NM_025137.4 (MANE Select); coding-DNA position 232, T replaced by G.
Protein change: p.Cys78Gly; replaces cysteine 78 with glycine.
Molecular consequence: missense variant.
Genome position (GRCh38, 1-based): chr15:44,663,416, A>C on the plus strand (T>G on the coding strand, the complement: SPG11 is on the minus strand). VCF-style: chr15-44663416-A-C. GRCh37 (hg19) VCF-style: chr15-44955614-A-C.
Other names: c.232T>G, p.Cys78Gly (NM_001160227.2); short protein forms C78G.
Identifiers: ClinVar variation 1345649 (VCV001345649.6), dbSNP rs2141138095, ClinGen allele CA392238530.

ClinVar aggregate classification (germline): Uncertain significance (1 of 4 stars; one submission).

Conditions:
Hereditary spastic paraplegia 11. Also called: Spastic Paraplegia 11; Nakamura Osame syndrome; Autosomal recessive hereditary spastic paraplegia, mental impairment, and thin corpus callosum; SPASTIC PARAPLEGIA, AUTOSOMAL RECESSIVE, COMPLICATED, WITH THIN CORPUS CALLOSUM; SPASTIC PARAPLEGIA, AUTOSOMAL RECESSIVE, WITH MENTAL IMPAIRMENT AND THIN CORPUS CALLOSUM; Spastic paraplegia, mental retardation and thin corpus callosum. Identifiers: Orphanet 2822, MedGen C1858479, MONDO:0011445, OMIM 604360.

Submission:

Labcorp Genetics (formerly Invitae), Labcorp
Classification: Uncertain significance for Hereditary spastic paraplegia 11. Last evaluated: 2021-10-23. Review status: criteria provided, single submitter. Criteria: Invitae Variant Classification Sherloc (09022015). Collection method: clinical testing. Allele origin: germline.
Comment: This variant is not present in population databases (ExAC no frequency). In summary, the available evidence is currently insufficient to determine the role of this variant in disease. Therefore, it has been classified as a Variant of Uncertain Significance. Algorithms developed to predict the effect of missense changes on protein structure and function (SIFT, PolyPhen-2, Align-GVGD) all suggest that this variant is likely to be tolerated. This variant has not been reported in the literature in individuals affected with SPG11-related conditions. This sequence change replaces cysteine with glycine at codon 78 of the SPG11 protein (p.Cys78Gly). The cysteine residue is moderately conserved and there is a large physicochemical difference between cysteine and glycine.